The following is an entry in ClinVar:

NM_013275.6(ANKRD11):c.1880A>C (p.Lys627Thr)

Gene: ANKRD11 (ankyrin repeat domain containing 11; minus strand). Cytogenetic location: 16q24.3.
Variant type: single nucleotide variant.
Coding change: c.1880A>C on transcript NM_013275.6 (MANE Select); coding-DNA position 1880, A replaced by C.
Protein change: p.Lys627Thr; replaces lysine 627 with threonine.
Molecular consequence: missense variant.
Genome position (GRCh38, 1-based): chr16:89,284,662, T>G on the plus strand (A>C on the coding strand, the complement: ANKRD11 is on the minus strand). VCF-style: chr16-89284662-T-G. GRCh37 (hg19) VCF-style: chr16-89351070-T-G.
Other names: c.1880A>C, p.Lys627Thr (NM_001256182.2, NM_001256183.2); short protein forms K627T.
Identifiers: ClinVar variation 1312419 (VCV001312419.2), dbSNP rs906699925, ClinGen allele CA286519841.
Genomic context (GRCh38, chr16:89,284,662, plus strand): 5'-GAACACTGTCCCTTCTCCTTGTTTTTGTGTTTGTGTTTTGTTTTATGTTTTTTGACAACT[T>G]TCCCCTCCTTGTCCAGTTTGGGGACAGCGCCCTCCGCGCTGGACAGGAAGGGGCTCTTCT-3'
Protein context (NP_037407.4, residues 617-637): GAVPKLDKEG[Lys627Thr]VVKKHKTKHK

ClinVar aggregate classification (germline): Uncertain significance (1 of 4 stars; one submission).

Allele frequency attached by ClinVar (database versions not stated): gnomAD 0.00001; TOPMed 0.00001.
gnomAD v4.1: 2 of 1,613,968 alleles (0.00012%); highest among the groups gnomAD compares: Non-Finnish European, 0.00017%; no homozygotes.

Submission:

GeneDx
Classification: Uncertain significance. Last evaluated: 2019-09-27. Review status: criteria provided, single submitter. Criteria: GeneDx Variant Classification Process June 2021. Collection method: clinical testing. Allele origin: germline. Affected: yes.
Comment: Not observed in large population cohorts (Lek et al., 2016); In silico analysis, which includes protein predictors and evolutionary conservation, supports a deleterious effect; Has not been previously published as pathogenic or benign to our knowledge